The following is an entry in ClinVar:

ClinVar aggregate classification (germline): Uncertain significance. Review status: criteria provided, single submitter (1 of 4 stars). 2 submissions from 2 submitters: Uncertain significance (1). 1 of the submissions does not count toward it. Last evaluated 2025-03-05.

Conditions:
Familial long QT syndrome (RWS). Also called: Congenital long QT syndrome; Romano-Ward syndrome; VENTRICULAR FIBRILLATION WITH PROLONGED QT INTERVAL. Identifiers: Orphanet 768, MedGen C1141890, MONDO:0019171.
Long QT syndrome (LQTS). Identifiers: MedGen C0023976, MeSH D008133, MONDO:0002442. Disease mechanism: loss of function. Inheritance: Various modes of inheritance.

Submissions (2):

Labcorp Genetics (formerly Invitae), Labcorp
Classification: Uncertain significance for Long QT syndrome. Last evaluated: 2025-03-05. Review status: criteria provided, single submitter. Criteria: Invitae Variant Classification Sherloc (09022015). Collection method: clinical testing. Allele origin: germline.
Comment: This sequence change replaces glutamic acid, which is acidic and polar, with lysine, which is basic and polar, at codon 596 of the KCNQ1 protein (p.Glu596Lys). This variant is not present in population databases (gnomAD no frequency). This missense change has been observed in individual(s) with clinical features of long QT syndrome (PMID: 19716085). ClinVar contains an entry for this variant (Variation ID: 67055). Invitae Evidence Modeling of protein sequence and biophysical properties (such as structural, functional, and spatial information, amino acid conservation, physicochemical variation, residue mobility, and thermodynamic stability) indicates that this missense variant is expected to disrupt KCNQ1 protein function with a positive predictive value of 95%. In summary, the available evidence is currently insufficient to determine the role of this variant in disease. Therefore, it has been classified as a Variant of Uncertain Significance.

Cardiovascular Biomedical Research Unit, Royal Brompton & Harefield NHS Foundation Trust
No classification provided. Condition: Familial long QT syndrome. Review status: no classification provided. Collection method: literature only. Allele origin: germline. Not counted in ClinVar's aggregate classification.
Comment: This variant has been reported as associated with Long QT syndrome in the following publications (PMID:19716085). This is a literature report, and does not necessarily reflect the clinical interpretation of the Imperial College / Royal Brompton Cardiovascular Genetics laboratory.

Literature cited by the submitters: PubMed 19716085 (cited by Labcorp Genetics (formerly Invitae), Labcorp and Cardiovascular Biomedical Research Unit, Royal Brompton & Harefield NHS Foundation Trust); PubMed 22581653 (cited by Cardiovascular Biomedical Research Unit, Royal Brompton & Harefield NHS Foundation Trust).

NM_000218.3(KCNQ1):c.1786G>A (p.Glu596Lys)

Gene: KCNQ1 (potassium voltage-gated channel subfamily Q member 1; plus strand). Cytogenetic location: 11p15.5.
Variant type: single nucleotide variant.
Coding change: c.1786G>A on transcript NM_000218.3 (MANE Select); coding-DNA position 1786, G replaced by A.
Protein change: p.Glu596Lys; replaces glutamic acid 596 with lysine.
Molecular consequence: missense variant.
Genome position (GRCh38, 1-based): chr11:2,778,029, G>A. VCF-style: chr11-2778029-G-A. GRCh37 (hg19) VCF-style: chr11-2799259-G-A.
Other names: c.1786G>A (LRG_287t1); c.1690G>A, p.Glu564Lys (NM_001406836.1); c.1516G>A, p.Glu506Lys (NM_001406837.1); c.1246G>A, p.Glu416Lys (NM_001406838.1); c.298G>A, p.Glu100Lys (NM_001406839.1); c.1405G>A, p.Glu469Lys (NM_181798.2); short protein forms E596K, E469K, E100K, E506K, E564K, E416K.
Identifiers: ClinVar variation 67055 (VCV000067055.9), dbSNP rs199472816, ClinGen allele CA006401.